The following is an entry in ClinVar:

ClinVar aggregate classification (germline): Uncertain significance (1 of 4 stars; one submission).

gnomAD v4.1: 1 of 1,488,380 alleles (0.000067%); highest among the groups gnomAD compares: Non-Finnish European, 0.00009%; no homozygotes.

Submission:

Women's Health and Genetics/Laboratory Corporation of America, LabCorp
Classification: Uncertain significance. Last evaluated: 2025-01-06. Review status: criteria provided, single submitter. Criteria: LabCorp Variant Classification Summary - May 2015. Collection method: clinical testing. Allele origin: germline.
Comment: Variant summary: TUBB3 c.-6C>T is located in the untranslated mRNA region upstream of the initiation codon. The frequency data for this variant in gnomAD is considered unreliable, as metrics indicate poor data quality at this position. To our knowledge, no occurrence of c.-6C>T in individuals affected with Fibrosis of extraocular muscles, congenital, 3A, with or without extraocular involvement and no experimental evidence demonstrating its impact on protein function have been reported. No submitters have cited clinical-significance assessments for this variant to ClinVar. Based on the evidence outlined above, the variant was classified as uncertain significance.

NM_006086.4(TUBB3):c.-6C>T

Genes: TUBB3 (tubulin beta 3 class III; plus strand), LOC130059847 (ATAC-STARR-seq lymphoblastoid silent region 7932; plus strand). Cytogenetic location: 16q24.3.
Variant type: single nucleotide variant.
Coding change: c.-6C>T on transcript NM_006086.4 (MANE Select); 6 bases upstream of the start codon, C replaced by T.
Molecular consequence: 5 prime UTR variant. On other transcripts: intron variant (1).
Genome position (GRCh38, 1-based): chr16:89,923,396, C>T. VCF-style: chr16-89923396-C-T. GRCh37 (hg19) VCF-style: chr16-89989804-C-T.
Other names: c.-160+1151C>T (NM_001197181.2).
Identifiers: ClinVar variation 3769265 (VCV003769265.2).
Genomic context (GRCh38, chr16:89,923,396, plus strand): 5'-CCGACCCTCAGCAGCCAGCCCGGCCCGCCCGCGCCCGTCCGCAGCCGCCCGCCAGACGCG[C>T]CCAGTATGAGGGAGATCGTGCACATCCAGGCCGGCCAGTGCGGCAACCAGATCGGGGCCA-3'